The following is an entry in ClinVar:

ClinVar aggregate classification (germline): Uncertain significance (1 of 4 stars; one submission).

Conditions:
Muscular dystrophy-dystroglycanopathy (congenital with impaired intellectual development), type B, 1. Also called: Muscular dystrophy-dystroglycanopathy (congenital with intellectual disability), type B1; MUSCULAR DYSTROPHY, CONGENITAL, POMT1-RELATED. Identifiers: MedGen C5436962, MONDO:0013159, OMIM 613155.
Walker-Warburg congenital muscular dystrophy. Also called: Muscular dystrophy-dystroglycanopathy, type A; Walker-Warburg syndrome. Identifiers: Orphanet 899, MedGen C0265221, MONDO:0000171.
Autosomal recessive limb-girdle muscular dystrophy type 2K. Also called: MUSCULAR DYSTROPHY-DYSTROGLYCANOPATHY (LIMB-GIRDLE), TYPE C, 1; MUSCULAR DYSTROPHY, LIMB-GIRDLE, TYPE 2K. Identifiers: Orphanet 86812, MedGen C1836373, MONDO:0012248, OMIM 609308.

gnomAD v4.1: 1 of 1,610,410 alleles (0.000062%); highest among the groups gnomAD compares: East Asian, 0.0022%; no homozygotes.

Submission:

Labcorp Genetics (formerly Invitae), Labcorp
Classification: Uncertain significance for Muscular dystrophy-dystroglycanopathy (congenital with impaired intellectual development), type B, 1; Walker-Warburg congenital muscular dystrophy; Autosomal recessive limb-girdle muscular dystrophy type 2K. Last evaluated: 2025-08-21. Review status: criteria provided, single submitter. Criteria: Invitae Variant Classification Sherloc (09022015). Collection method: clinical testing. Allele origin: germline.
Comment: This sequence change replaces leucine, which is neutral and non-polar, with phenylalanine, which is neutral and non-polar, at codon 719 of the POMT1 protein (p.Leu719Phe). The frequency data for this variant in the population databases is considered unreliable, as metrics indicate poor data quality at this position in the gnomAD database. This variant has not been reported in the literature in individuals affected with POMT1-related conditions. ClinVar contains an entry for this variant (Variation ID: 2153859). Invitae Evidence Modeling of protein sequence and biophysical properties (such as structural, functional, and spatial information, amino acid conservation, physicochemical variation, residue mobility, and thermodynamic stability) indicates that this missense variant is not expected to disrupt POMT1 protein function with a negative predictive value of 95%. In summary, the available evidence is currently insufficient to determine the role of this variant in disease. Therefore, it has been classified as a Variant of Uncertain Significance.

NM_001077365.2(POMT1):c.2089C>T (p.Leu697Phe)

Gene: POMT1 (protein O-mannosyltransferase 1; plus strand). Cytogenetic location: 9q34.13.
Variant type: single nucleotide variant.
Coding change: c.2089C>T on transcript NM_001077365.2 (MANE Select); coding-DNA position 2089, C replaced by T.
Protein change: p.Leu697Phe; replaces leucine 697 with phenylalanine.
Molecular consequence: missense variant. On other transcripts: non-coding transcript variant (10).
Genome position (GRCh38, 1-based): chr9:131,523,017, C>T. VCF-style: chr9-131523017-C-T. GRCh37 (hg19) VCF-style: chr9-134398404-C-T.
Other names: c.1927C>T, p.Leu643Phe (NM_001077366.2, NM_001353194.2); c.2089C>T, p.Leu697Phe (NM_001136113.2); c.1738C>T, p.Leu580Phe (NM_001136114.2, NM_001353195.2, NM_001374691.1 and 2 more transcripts); c.2155C>T, p.Leu719Phe (NM_001353193.2, NM_007171.4); c.1999C>T, p.Leu667Phe (NM_001353196.2); c.1993C>T, p.Leu665Phe (NM_001353197.2, NM_001353198.2); c.1804C>T, p.Leu602Phe (NM_001353199.2); c.1633C>T, p.Leu545Phe (NM_001353200.2); and 4 more; short protein forms L320F, L567F, L643F, L719F, L545F, L667F, L693F, L697F.
Identifiers: ClinVar variation 2153859 (VCV002153859.2), dbSNP rs1175778280, ClinGen allele CA375315208.